The following is an entry in ClinVar:

NM_002878.4(RAD51D):c.867C>G (p.Gly289=)

Genes: RAD51L3-RFFL (RAD51L3-RFFL readthrough; minus strand), RAD51D (RAD51 paralog D; minus strand). Cytogenetic location: 17q12.
Variant type: single nucleotide variant.
Coding change: c.867C>G on transcript NM_002878.4 (MANE Select); coding-DNA position 867, C replaced by G.
Protein change: p.Gly289=; no amino-acid change (glycine 289 retained).
Molecular consequence: synonymous variant. On other transcripts: non-coding transcript variant (3).
Genome position (GRCh38, 1-based): chr17:35,101,237, G>C on the plus strand (C>G on the coding strand, the complement: RAD51D is on the minus strand). VCF-style: chr17-35101237-G-C. GRCh37 (hg19) VCF-style: chr17-33428256-G-C.
Other names: c.927C>G, p.Gly309= (NM_001142571.2); c.531C>G, p.Gly177= (NM_133629.3).
Identifiers: ClinVar variation 2811131 (VCV002811131.5), dbSNP rs2091532621, ClinGen allele CA499728733.

ClinVar aggregate classification (germline): Benign/Likely benign. Review status: criteria provided, multiple submitters, no conflicts (2 of 4 stars). 3 submissions from 3 submitters: Benign (1); Likely benign (2). Last evaluated 2025-02-25.

Conditions:
Hereditary cancer-predisposing syndrome. Also called: Tumor predisposition; Hereditary Cancer Syndrome; Hereditary neoplastic syndrome; Neoplastic Syndromes, Hereditary. Identifiers: Orphanet 140162, MedGen C0027672, MeSH D009386, MONDO:0015356.
Breast-ovarian cancer, familial, susceptibility to, 4. Identifiers: Orphanet 145, MedGen C3280345, MONDO:0013669, OMIM 614291.

gnomAD v4.1: 1 of 1,614,134 alleles (0.000062%); highest among the groups gnomAD compares: Non-Finnish European, 0.000085%; no homozygotes.

Submissions (3):

Myriad Genetics, Inc.
Classification: Benign for Breast-ovarian cancer, familial, susceptibility to, 4. Last evaluated: 2025-02-25. Review status: criteria provided, single submitter. Criteria: Myriad Autosomal Dominant, Autosomal Recessive and X-Linked Classification Criteria (2023). Collection method: clinical testing. Allele origin: unknown.
Comment: This variant is considered benign. This variant is a silent/synonymous amino acid change and it is not expected to impact splicing.

Ambry Genetics
Classification: Likely benign for Hereditary cancer-predisposing syndrome. Last evaluated: 2024-06-30. Review status: criteria provided, single submitter. Criteria: Ambry Variant Classification Scheme 2023. Collection method: clinical testing. Allele origin: germline.

Labcorp Genetics (formerly Invitae), Labcorp
Classification: Likely benign for Breast-ovarian cancer, familial, susceptibility to, 4. Last evaluated: 2023-02-08. Review status: criteria provided, single submitter. Criteria: Invitae Variant Classification Sherloc (09022015). Collection method: clinical testing. Allele origin: germline.